The following is an entry in ClinVar:

NM_000466.3(PEX1):c.2627G>T (p.Gly876Val)

Gene: PEX1 (peroxisomal biogenesis factor 1; minus strand). Cytogenetic location: 7q21.2.
Variant type: single nucleotide variant.
Coding change: c.2627G>T on transcript NM_000466.3 (MANE Select); coding-DNA position 2627, G replaced by T.
Protein change: p.Gly876Val; replaces glycine 876 with valine.
Molecular consequence: missense variant.
Genome position (GRCh38, 1-based): chr7:92,499,795, C>A on the plus strand (G>T on the coding strand, the complement: PEX1 is on the minus strand). VCF-style: chr7-92499795-C-A. GRCh37 (hg19) VCF-style: chr7-92129109-C-A.
Other names: c.2456G>T, p.Gly819Val (NM_001282677.2); c.2003G>T, p.Gly668Val (NM_001282678.2); short protein forms G668V, G819V, G876V.
Identifiers: ClinVar variation 1021397 (VCV001021397.6), dbSNP rs545382069, ClinGen allele CA4341067.

ClinVar aggregate classification (germline): Uncertain significance (1 of 4 stars; one submission).

Conditions:
Zellweger spectrum disorders (ZS). Also called: Zellweger Spectrum Disorder; Zellweger Spectrum; Zellweger syndrome; Zellweger Spectrum Disorder (ZSD). Identifiers: Orphanet 912, MedGen C0043459, MONDO:0019609.

Allele frequency attached by ClinVar (database versions not stated): gnomAD 0.00001; 1000 Genomes Project 0.00020; 1000 Genomes Project 30x 0.00031.
gnomAD v4.1: 2 of 1,611,282 alleles (0.00012%); highest among the groups gnomAD compares: African/African-American, 0.0013%; no homozygotes.

Submission:

Labcorp Genetics (formerly Invitae), Labcorp
Classification: Uncertain significance for Zellweger spectrum disorders. Last evaluated: 2021-09-01. Review status: criteria provided, single submitter. Criteria: Invitae Variant Classification Sherloc (09022015). Collection method: clinical testing. Allele origin: germline.
Comment: This sequence change replaces glycine with valine at codon 876 of the PEX1 protein (p.Gly876Val). The glycine residue is highly conserved and there is a moderate physicochemical difference between glycine and valine. This variant is present in population databases (rs545382069, ExAC 0.01%). This variant has not been reported in the literature in individuals affected with PEX1-related conditions. Advanced modeling of protein sequence and biophysical properties (such as structural, functional, and spatial information, amino acid conservation, physicochemical variation, residue mobility, and thermodynamic stability) performed at Invitae indicates that this missense variant is expected to disrupt PEX1 protein function. In summary, the available evidence is currently insufficient to determine the role of this variant in disease. Therefore, it has been classified as a Variant of Uncertain Significance.